The following is an entry in ClinVar:

NM_006514.4(SCN10A):c.2043C>T (p.Phe681=)

Gene: SCN10A (sodium voltage-gated channel alpha subunit 10; minus strand). Cytogenetic location: 3p22.2.
Variant type: single nucleotide variant.
Coding change: c.2043C>T on transcript NM_006514.4 (MANE Select); coding-DNA position 2043, C replaced by T.
Protein change: p.Phe681=; no amino-acid change (phenylalanine 681 retained).
Molecular consequence: synonymous variant.
Genome position (GRCh38, 1-based): chr3:38,742,354, G>A on the plus strand (C>T on the coding strand, the complement: SCN10A is on the minus strand). VCF-style: chr3-38742354-G-A. GRCh37 (hg19) VCF-style: chr3-38783845-G-A.
Other names: c.2043C>T, p.Phe681= (NM_001293306.2); c.1749C>T, p.Phe583= (NM_001293307.2).
Identifiers: ClinVar variation 696877 (VCV000696877.16), dbSNP rs367743519, ClinGen allele CA2320671.

ClinVar aggregate classification (germline): Benign/Likely benign. Review status: criteria provided, multiple submitters, no conflicts (2 of 4 stars). 5 submissions from 5 submitters: Benign (2); Likely benign (2). 1 of the submissions does not count toward it. Last evaluated 2025-12-06.

Conditions:
SCN10A-related disorder. Also called: SCN10A-related condition.
Cardiovascular phenotype. Identifiers: MedGen CN230736.
Brugada syndrome. Also called: Sudden Unexplained Death Syndrome; Sudden Unexplained Nocturnal Death Syndrome (SUNDS); Sudden unexpected nocturnal death syndrome; Sudden unexplained nocturnal death syndrome. Identifiers: Orphanet 130, MedGen C1142166, MONDO:0015263.

Allele frequency attached by ClinVar (database versions not stated): gnomAD exomes 0.00010 and 0.00049; gnomAD 0.00024 and 0.00026; 1000 Genomes Project 30x 0.00031; TOPMed 0.00032; 1000 Genomes Project 0.00040; ExAC 0.00040.
gnomAD v4.1: 201 of 1,614,206 alleles (0.012%); highest among the groups gnomAD compares: East Asian, 0.39%; 2 homozygotes.

Submissions (5):

Labcorp Genetics (formerly Invitae), Labcorp
Classification: Benign for Brugada syndrome. Last evaluated: 2025-12-06. Review status: criteria provided, single submitter. Criteria: Invitae Variant Classification Sherloc (09022015). Collection method: clinical testing. Allele origin: germline.

Women's Health and Genetics/Laboratory Corporation of America, LabCorp
Classification: Benign. Last evaluated: 2025-02-28. Review status: criteria provided, single submitter. Criteria: LabCorp Variant Classification Summary - May 2015. Collection method: clinical testing. Allele origin: germline.

Blueprint Genetics
Classification: Likely benign. Last evaluated: 2024-02-05. Review status: criteria provided, single submitter. Criteria: ACMG Guidelines, 2015. Collection method: clinical testing. Allele origin: germline.

Ambry Genetics
Classification: Likely benign for Cardiovascular phenotype. Last evaluated: 2020-03-14. Review status: criteria provided, single submitter. Criteria: Ambry Variant Classification Scheme 2023. Collection method: clinical testing. Allele origin: germline.

PreventionGenetics, part of Exact Sciences
Classification: Likely benign for SCN10A-related condition. Last evaluated: 2019-12-24. Review status: no assertion criteria provided. Collection method: clinical testing. Allele origin: germline. Not counted in ClinVar's aggregate classification.
Comment: This variant is classified as likely benign based on ACMG/AMP sequence variant interpretation guidelines (Richards et al. 2015 PMID: 25741868, with internal and published modifications).